The following is an entry in ClinVar:

ClinVar aggregate classification (germline): Uncertain significance. Review status: criteria provided, multiple submitters, no conflicts (2 of 4 stars). 2 submissions from 2 submitters: Uncertain significance (2). Last evaluated 2025-12-26.

Conditions:
PLXNA3-related disorder. Also called: PLXNA3-related condition.

gnomAD v4.1: 3 of 1,207,507 alleles (0.00025%); highest among the groups gnomAD compares: East Asian, 0.003%; no homozygotes.

Submissions (2):

PreventionGenetics, part of Exact Sciences
Classification: Uncertain significance for PLXNA3-related condition. Last evaluated: 2025-12-26. Review status: criteria provided, single submitter. Criteria: ACMG Guidelines, 2015. Collection method: clinical testing. Allele origin: germline.
Comment: The PLXNA3 c.4601G>T variant is predicted to result in the amino acid substitution p.Arg1534Leu. To our knowledge, this variant has not been reported in the literature or in a large population database (gnomAD), indicating this variant is rare. At this time, the clinical significance of this variant is uncertain due to the absence of conclusive functional and genetic evidence.

Ambry Genetics
Classification: Uncertain significance. Last evaluated: 2025-12-16. Review status: criteria provided, single submitter. Criteria: Ambry Variant Classification Scheme 2023. Collection method: clinical testing. Allele origin: germline.

NM_017514.5(PLXNA3):c.4601G>T (p.Arg1534Leu)

Gene: PLXNA3 (plexin A3; plus strand). Cytogenetic location: Xq28.
Variant type: single nucleotide variant.
Coding change: c.4601G>T on transcript NM_017514.5 (MANE Select); coding-DNA position 4601, G replaced by T.
Protein change: p.Arg1534Leu; replaces arginine 1534 with leucine.
Molecular consequence: missense variant.
Genome position (GRCh38, 1-based): chrX:154,469,385, G>T. VCF-style: chrX-154469385-G-T. GRCh37 (hg19) VCF-style: chrX-153697728-G-T.
Other names: short protein forms R1534L.
Identifiers: ClinVar variation 4830653 (VCV004830653.2).
Genomic context (GRCh38, chrX:154,469,385, plus strand): 5'-GCCAGGCACTTGGGGGCTGCCAGCATAATCTTAAGGGCTGTCTGTGGCCCACAGAGTGGC[G>T]CCAGGGCCGCATGACTCGCATCATCCTCCAGGATGAGGATGTCACCACCAAGATCGAGTG-3'
Protein context (NP_059984.3, residues 1524-1544): PKAEDMDLEW[Arg1534Leu]QGRMTRIILQ